The following is an entry in ClinVar:

GRCh38/hg38 8p23.3(chr8:1027218-1680120)x3

Genes: DLGAP2 (DLG associated protein 2; plus strand), DLGAP2-AS1 (DLGAP2 antisense RNA 1; minus strand), LOC123987604 (Sharpr-MPRA regulatory region 700; plus strand), LOC123987605 (Sharpr-MPRA regulatory region 9258; plus strand), LOC126860271 (CDK7 strongly-dependent group 2 enhancer GRCh37_chr8:1106443-1107642; plus strand) and 8 more. Cytogenetic location: 8p23.3.
Variant type: copy number gain.
Change: copy number 3 (three copies instead of two) of chr8:1,027,218-1,680,120 (652.9 kb, GRCh38 coordinates, 1-based), cytogenetic band 8p23.3.
Identifiers: ClinVar variation 152248 (VCV000152248.2).

ClinVar aggregate classification (germline): conflicting data from submitters (0 of 4 stars; one submission).

Submission:

ISCA site 1
Classification: conflicting data from submitters. Last evaluated: 2013-04-04. Review status: no assertion criteria provided. Collection method: clinical testing. Allele origin: unknown, paternal. Affected: yes. Observed: 2 variant alleles.
Comment: Uncertain significance(1), Likely benign (1)

Copy number variation identified through the course of routine clinical cytogenomic testing in postnatal populations, with clinical assertions as classified by the original submitter. For data from the original published study, Kaminsky, et al. 2011 (PubMed 21844811), please see nstd101.